The following is an entry in ClinVar:

NM_006005.3(WFS1):c.2325T>G (p.Phe775Leu)

Gene: WFS1 (wolframin ER transmembrane glycoprotein; plus strand). Cytogenetic location: 4p16.1.
Variant type: single nucleotide variant.
Coding change: c.2325T>G on transcript NM_006005.3 (MANE Select); coding-DNA position 2325, T replaced by G.
Protein change: p.Phe775Leu; replaces phenylalanine 775 with leucine.
Molecular consequence: missense variant.
Genome position (GRCh38, 1-based): chr4:6,302,120, T>G. VCF-style: chr4-6302120-T-G. GRCh37 (hg19) VCF-style: chr4-6303847-T-G.
Other names: c.2325T>G, p.Phe775Leu (NM_001145853.1); short protein forms F775L.
Identifiers: ClinVar variation 1315985 (VCV001315985.2), dbSNP rs1730957906, ClinGen allele CA356178369.
Genomic context (GRCh38, chr4:6,302,120, plus strand): 5'-TCGCCTTAAGCTGCTGGCCAAGCACCCCTGCCACATCAAGAAGTTCGACCGCTACAAGTT[T>G]GAGATTACCGTGGGCATGCCATTCAGCAGCGGCGCTGACGGCTCGCGCAGCCGCGAGGAG-3'
Protein context (NP_005996.2, residues 765-785): CHIKKFDRYK[Phe775Leu]EITVGMPFSS

ClinVar aggregate classification (germline): Uncertain significance (1 of 4 stars; one submission).

Submission:

GeneDx
Classification: Uncertain significance. Last evaluated: 2021-02-05. Review status: criteria provided, single submitter. Criteria: GeneDx Variant Classification Process June 2021. Collection method: clinical testing. Allele origin: germline. Affected: yes.
Comment: Not observed in large population cohorts (Lek et al., 2016); In silico analysis supports that this missense variant has a deleterious effect on protein structure/function; Has not been previously published as pathogenic or benign to our knowledge